The following is an entry in ClinVar:

NM_001122955.4(BSCL2):c.299G>T (p.Cys100Phe)

Genes: BSCL2 (BSCL2 lipid droplet biogenesis associated, seipin; minus strand), HNRNPUL2-BSCL2 (HNRNPUL2-BSCL2 readthrough (NMD candidate); minus strand). Cytogenetic location: 11q12.3.
Variant type: single nucleotide variant.
Coding change: c.299G>T on transcript NM_001122955.4 (MANE Select); coding-DNA position 299, G replaced by T.
Protein change: p.Cys100Phe; replaces cysteine 100 with phenylalanine.
Molecular consequence: missense variant. On other transcripts: non-coding transcript variant (1).
Genome position (GRCh38, 1-based): chr11:62,705,406, C>A on the plus strand (G>T on the coding strand, the complement: BSCL2 is on the minus strand). VCF-style: chr11-62705406-C-A. GRCh37 (hg19) VCF-style: chr11-62472878-C-A.
Other names: c.107G>T, p.Cys36Phe (NM_001130702.2, NM_032667.6); c.299G>T, p.Cys100Phe (NM_001386027.1, NM_001386028.1); c.299G>T (NM_001122955.3); short protein forms C100F, C36F.
Identifiers: ClinVar variation 246509 (VCV000246509.22), dbSNP rs147314661, ClinGen allele CA6053624.

ClinVar aggregate classification (germline): Conflicting classifications of pathogenicity. Review status: criteria provided, conflicting classifications (1 of 4 stars). 5 submissions from 5 submitters: Uncertain significance (4); Likely benign (1). Last evaluated 2026-02-12.

Conditions:
BSCL2-related disorder. Also called: BSCL2-related condition; BSCL2-Related Disorders.
Severe neurodegenerative syndrome with lipodystrophy. Also called: ENCEPHALOPATHY, PROGRESSIVE, WITH LIPODYSTROPHY; Encephalopathy, progressive, with or without lipodystrophy. Identifiers: Orphanet 363400, MedGen C4014700, MONDO:0014402, OMIM 615924.
Congenital generalized lipodystrophy type 2 (CGL2). Also called: BERARDINELLI SYNDROME; BRUNZELL SYNDROME, BSCL2-RELATED; SEIP SYNDROME; Berardinelli-Seip Congenital Lipodystrophy Type 2. Identifiers: Orphanet 528, Orphanet 696289, MedGen C1720863, MONDO:0010020, OMIM 269700.
Neuronopathy, distal hereditary motor, type 5C. Also called: NEURONOPATHY, DISTAL HEREDITARY MOTOR, HARDING TYPE VC; NEUROPATHY, DISTAL HEREDITARY MOTOR, HARDING TYPE VC; SPINAL MUSCULAR ATROPHY, DISTAL, HARDING TYPE VC; DHMN VC; NEURONOPATHY, DISTAL HEREDITARY MOTOR, AUTOSOMAL DOMINANT 13. Identifiers: MedGen C5436838, MONDO:0030860, OMIM 619112.
Hereditary spastic paraplegia 17. Also called: Silver spastic paraplegia syndrome; SPASTIC PARAPLEGIA WITH AMYOTROPHY OF HANDS AND FEET; Spastic Paraplegia 17; Autosomal dominant spastic paraplegia type 17; Silver Syndrome. Identifiers: Orphanet 100998, MedGen C2931276, MONDO:0010043, OMIM 270685.
Inborn genetic diseases. Identifiers: MedGen C0950123, MeSH D030342.
Charcot-Marie-Tooth disease type 2. Also called: Charcot-Marie-Tooth type 2. Identifiers: Orphanet 64746, MedGen C0270914, MONDO:0018993.

Allele frequency attached by ClinVar (database versions not stated): ExAC 0.00001; gnomAD exomes 0.00001; ESP Exome Variant Server 0.00008; gnomAD 0.00019 and 0.00023; TOPMed 0.00051.

Submissions (5):

PreventionGenetics, part of Exact Sciences
Classification: Uncertain significance for BSCL2-related condition. Last evaluated: 2026-02-12. Review status: criteria provided, single submitter. Criteria: ACMG Guidelines, 2015. Collection method: clinical testing. Allele origin: germline.
Comment: The BSCL2 c.299G>T variant is predicted to result in the amino acid substitution p.Cys100Phe. To our knowledge, this variant has not been reported in the literature. This variant is reported in 0.0085% of alleles in individuals of Latino descent in gnomAD. At this time, the clinical significance of this variant is uncertain due to the absence of conclusive functional and genetic evidence.

Labcorp Genetics (formerly Invitae), Labcorp
Classification: Uncertain significance for Charcot-Marie-Tooth disease type 2. Last evaluated: 2026-01-21. Review status: criteria provided, single submitter. Criteria: Invitae Variant Classification Sherloc (09022015). Collection method: clinical testing. Allele origin: germline.
Comment: This sequence change replaces cysteine, which is neutral and slightly polar, with phenylalanine, which is neutral and non-polar, at codon 36 of the BSCL2 protein (p.Cys36Phe). This variant is present in population databases (rs147314661, gnomAD no frequency). This variant has not been reported in the literature in individuals affected with BSCL2-related conditions. ClinVar contains an entry for this variant (Variation ID: 246509). Invitae Evidence Modeling of protein sequence and biophysical properties (such as structural, functional, and spatial information, amino acid conservation, physicochemical variation, residue mobility, and thermodynamic stability) indicates that this missense variant is not expected to disrupt BSCL2 protein function with a negative predictive value of 80%. In summary, the available evidence is currently insufficient to determine the role of this variant in disease. Therefore, it has been classified as a Variant of Uncertain Significance.

GeneDx
Classification: Uncertain significance. Last evaluated: 2025-03-11. Review status: criteria provided, single submitter. Criteria: GeneDx Variant Classification Process June 2021. Collection method: clinical testing. Allele origin: germline. Affected: yes.
Comment: In silico analysis supports that this missense variant has a deleterious effect on protein structure/function; Has not been previously published as pathogenic or benign to our knowledge; This variant is associated with the following publications: (PMID: 18790819)

Fulgent Genetics
Classification: Likely benign for Congenital generalized lipodystrophy type 2; Hereditary spastic paraplegia 17; Severe neurodegenerative syndrome with lipodystrophy; Neuronopathy, distal hereditary motor, type 5C. Last evaluated: 2024-02-13. Review status: criteria provided, single submitter. Criteria: ACMG Guidelines, 2015. Collection method: clinical testing. Allele origin: germline.

Ambry Genetics
Classification: Uncertain significance for Inborn genetic diseases. Last evaluated: 2021-04-27. Review status: criteria provided, single submitter. Criteria: Ambry Variant Classification Scheme 2023. Collection method: clinical testing. Allele origin: germline.
Comment: The c.107G>T (p.C36F) alteration is located in exon 2 (coding exon 1) of the BSCL2 gene. This alteration results from a G to T substitution at nucleotide position 107, causing the cysteine (C) at amino acid position 36 to be replaced by a phenylalanine (F). The heterozygous missense change is ultra rare in population databases:_x000D_ _x000D_ Based on data from the Genome Aggregation Database (gnomAD), the BSCL2 c.107G>T alteration was observed in <0.001% (2/277,084). A similar amino acid change has been observed in an affected individual: _x000D_ _x000D_ A similar missense change affecting the same amino acid c.107G>A (p.C36Y) was reported in a patient with spastic paraplegia mild mental retardation, and no amyotrophy (Ishiura, 2014). The altered amino acid is conserved throughout evolution:_x000D_ _x000D_ The p.C36 amino acid is highly conserved in available vertebrate species. In silico prediction is conflicting:_x000D_ _x000D_ The p.C36F alteration is predicted to be possibly damaging by Polyphen and tolerated by SIFT in silico analyses. Based on insufficient or conflicting evidence, the clinical significance of this alteration remains unclear.

Literature cited by the submitters: PubMed 24451228 (cited by Ambry Genetics).